The following is an entry in ClinVar:

ClinVar aggregate classification (germline): Likely benign (0 of 4 stars; one submission).

Conditions:
SPTBN1-related disorder. Also called: SPTBN1-related condition.

Allele frequency attached by ClinVar (database versions not stated): gnomAD exomes 0.00006; gnomAD 0.00008; ExAC 0.00011; TOPMed 0.00015; 1000 Genomes Project 0.00020; 1000 Genomes Project 30x 0.00031.
gnomAD v4.1: 102 of 1,614,152 alleles (0.0063%); highest among the groups gnomAD compares: Admixed American, 0.06%; no homozygotes.

Submission:

PreventionGenetics, part of Exact Sciences
Classification: Likely benign for SPTBN1-related condition. Last evaluated: 2022-10-04. Review status: no assertion criteria provided. Collection method: clinical testing. Allele origin: germline.
Comment: This variant is classified as likely benign based on ACMG/AMP sequence variant interpretation guidelines (Richards et al. 2015 PMID: 25741868, with internal and published modifications).

NM_003128.3(SPTBN1):c.5653C>T (p.Arg1885Cys)

Gene: SPTBN1 (spectrin beta, non-erythrocytic 1; plus strand). Cytogenetic location: 2p16.2.
Variant type: single nucleotide variant.
Coding change: c.5653C>T on transcript NM_003128.3 (MANE Select); coding-DNA position 5653, C replaced by T.
Protein change: p.Arg1885Cys; replaces arginine 1885 with cysteine.
Molecular consequence: missense variant.
Genome position (GRCh38, 1-based): chr2:54,653,684, C>T. VCF-style: chr2-54653684-C-T. GRCh37 (hg19) VCF-style: chr2-54880821-C-T.
Other names: c.5614C>T, p.Arg1872Cys (NM_178313.3); short protein forms R1872C, R1885C.
Identifiers: ClinVar variation 3032760 (VCV003032760.2), dbSNP rs573784455, ClinGen allele CA1661412.
Genomic context (GRCh38, chr2:54,653,684, plus strand): 5'-GAGGATGCAGCCCGCCTCCAGGCGGCCTATGCGGGTGACAAGGCCGACGATATCCAGAAG[C>T]GCGAGAACGAGGTCCTGGAAGCCTGGAAGTCCCTCCTGGACGCCTGTGAGAGCCGCAGGG-3'
Protein context (NP_003119.2, residues 1875-1895): AGDKADDIQK[Arg1885Cys]ENEVLEAWKS